The following is an entry in ClinVar:

NM_005629.4(SLC6A8):c.395-9C>T

Gene: SLC6A8 (solute carrier family 6 member 8; plus strand). Cytogenetic location: Xq28.
Variant type: single nucleotide variant.
Coding change: c.395-9C>T on transcript NM_005629.4 (MANE Select); 9 bases into the intron before coding-DNA position 395, C replaced by T.
Molecular consequence: intron variant.
Genome position (GRCh38, 1-based): chrX:153,691,295, C>T. VCF-style: chrX-153691295-C-T. GRCh37 (hg19) VCF-style: chrX-152956750-C-T.
Other names: c.395-9C>T (NM_001142805.2); c.50-9C>T (NM_001142806.1).
Identifiers: ClinVar variation 514548 (VCV000514548.8), dbSNP rs782540675, ClinGen allele CA10549194.

ClinVar aggregate classification (germline): Likely benign. Review status: criteria provided, multiple submitters, no conflicts (2 of 4 stars). 2 submissions from 2 submitters: Likely benign (2). Last evaluated 2022-04-02.

Conditions:
Creatine transporter deficiency (CCDS1). Also called: Creatine Transporter (CRTR) Deficiency; Mental retardation , X-linked with seizures, short stature and midface hypoplasia; Mental retardation , X-linked, with creatine transport deficiency; X-linked creatine transporter deficiency; X-linked creatine deficiency syndrome; SLC6A8-Related Creatine Transporter Deficiency. Identifiers: Orphanet 52503, MedGen C1845862, MONDO:0010305, OMIM 300352.

Allele frequency attached by ClinVar (database versions not stated): gnomAD exomes below 0.00001 and 0.00001; ExAC 0.00004.
gnomAD v4.1: 2 of 1,187,739 alleles (0.00017%); highest among the groups gnomAD compares: South Asian, 0.0018%; no homozygotes.

Submissions (2):

Labcorp Genetics (formerly Invitae), Labcorp
Classification: Likely benign for Creatine transporter deficiency. Last evaluated: 2022-04-02. Review status: criteria provided, single submitter. Criteria: Invitae Variant Classification Sherloc (09022015). Collection method: clinical testing. Allele origin: germline.

GeneDx
Classification: Likely benign. Last evaluated: 2018-01-15. Review status: criteria provided, single submitter. Criteria: GeneDx Variant Classification (06012015). Collection method: clinical testing. Allele origin: germline. Affected: yes.
Comment: This variant is considered likely benign or benign based on one or more of the following criteria: it is a conservative change, it occurs at a poorly conserved position in the protein, it is predicted to be benign by multiple in silico algorithms, and/or has population frequency not consistent with disease.